The following is an entry in ClinVar:

ClinVar aggregate classification (germline): Benign/Likely benign. Review status: criteria provided, multiple submitters, no conflicts (2 of 4 stars). 3 submissions from 3 submitters: Benign (1); Likely benign (2). Last evaluated 2025-11-15.

Conditions:
Hereditary cancer-predisposing syndrome. Also called: Tumor predisposition; Hereditary Cancer Syndrome; Neoplastic Syndromes, Hereditary; Hereditary neoplastic syndrome. Identifiers: Orphanet 140162, MedGen C0027672, MeSH D009386, MONDO:0015356.
Tuberous sclerosis 2 (TSC2). Identifiers: Orphanet 805, MedGen C1860707, MONDO:0013199, OMIM 613254.

Submissions (3):

Ambry Genetics
Classification: Likely benign for Hereditary cancer-predisposing syndrome. Last evaluated: 2025-11-15. Review status: criteria provided, single submitter. Criteria: Ambry Variant Classification Scheme 2023. Collection method: clinical testing. Allele origin: germline.

Myriad Genetics, Inc.
Classification: Benign for Tuberous sclerosis 2. Last evaluated: 2025-05-20. Review status: criteria provided, single submitter. Criteria: Myriad Autosomal Dominant, Autosomal Recessive and X-Linked Classification Criteria (2023). Collection method: clinical testing. Allele origin: unknown.
Comment: This variant is considered benign. This variant is a silent/synonymous amino acid change and it is not expected to impact splicing.

Labcorp Genetics (formerly Invitae), Labcorp
Classification: Likely benign for Tuberous sclerosis 2. Last evaluated: 2018-04-16. Review status: criteria provided, single submitter. Criteria: Invitae Variant Classification Sherloc (09022015). Collection method: clinical testing. Allele origin: germline.

NM_000548.5(TSC2):c.2637C>T (p.Ser879=)

Gene: TSC2 (TSC complex subunit 2; plus strand). Cytogenetic location: 16p13.3.
Variant type: single nucleotide variant.
Coding change: c.2637C>T on transcript NM_000548.5 (MANE Select); coding-DNA position 2637, C replaced by T.
Protein change: p.Ser879=; no amino-acid change (serine 879 retained).
Molecular consequence: synonymous variant.
Genome position (GRCh38, 1-based): chr16:2,075,890, C>T. VCF-style: chr16-2075890-C-T. GRCh37 (hg19) VCF-style: chr16-2125891-C-T.
Other names: c.2637C>T, p.Ser879= (NM_001077183.3, NM_001114382.3, NM_001363528.2 and 3 more transcripts); c.2526C>T, p.Ser842= (NM_001318827.2); c.2490C>T, p.Ser830= (NM_001318829.2); c.2037C>T, p.Ser679= (NM_001318831.2); c.2670C>T, p.Ser890= (NM_001318832.2).
Identifiers: ClinVar variation 758287 (VCV000758287.10), dbSNP rs1596365444, ClinGen allele CA492953519.